The following is an entry in ClinVar:

ClinVar aggregate classification (germline): Uncertain significance. Review status: criteria provided, multiple submitters, no conflicts (2 of 4 stars). 2 submissions from 2 submitters: Uncertain significance (2). Last evaluated 2026-09-08.

Conditions:
Hereditary cancer-predisposing syndrome. Also called: Hereditary Cancer Syndrome; Neoplastic Syndromes, Hereditary; Hereditary neoplastic syndrome; Tumor predisposition. Identifiers: Orphanet 140162, MedGen C0027672, MeSH D009386, MONDO:0015356.

gnomAD v4.1: 1 of 1,614,170 alleles (0.000062%); highest among the groups gnomAD compares: South Asian, 0.0011%; no homozygotes.

Submissions (2):

Ambry Genetics
Classification: Uncertain significance for Hereditary cancer-predisposing syndrome. Last evaluated: 2026-09-08. Review status: criteria provided, single submitter. Criteria: Ambry Variant Classification Scheme 2023. Collection method: clinical testing. Allele origin: germline.
Comment: The p.G192A variant (also known as c.575G>C), located in coding exon 1 of the HOXB13 gene, results from a G to C substitution at nucleotide position 575. The glycine at codon 192 is replaced by alanine, an amino acid with similar properties. This amino acid position is well conserved in available vertebrate species. In addition, this alteration is predicted to be tolerated by in silico analysis. Based on the available evidence, the clinical significance of this variant remains unclear.

Labcorp Genetics (formerly Invitae), Labcorp
Classification: Uncertain significance. Last evaluated: 2022-02-23. Review status: criteria provided, single submitter. Criteria: Invitae Variant Classification Sherloc (09022015). Collection method: clinical testing. Allele origin: germline.
Comment: In summary, the available evidence is currently insufficient to determine the role of this variant in disease. Therefore, it has been classified as a Variant of Uncertain Significance. Algorithms developed to predict the effect of missense changes on protein structure and function (SIFT, PolyPhen-2, Align-GVGD) all suggest that this variant is likely to be tolerated. This variant has not been reported in the literature in individuals affected with HOXB13-related conditions. This variant is not present in population databases (gnomAD no frequency). This sequence change replaces glycine, which is neutral and non-polar, with alanine, which is neutral and non-polar, at codon 192 of the HOXB13 protein (p.Gly192Ala).

NM_006361.6(HOXB13):c.575G>C (p.Gly192Ala)

Gene: HOXB13 (homeobox B13; minus strand). Cytogenetic location: 17q21.32.
Variant type: single nucleotide variant.
Coding change: c.575G>C on transcript NM_006361.6 (MANE Select); coding-DNA position 575, G replaced by C.
Protein change: p.Gly192Ala; replaces glycine 192 with alanine.
Molecular consequence: missense variant.
Genome position (GRCh38, 1-based): chr17:48,728,019, C>G on the plus strand (G>C on the coding strand, the complement: HOXB13 is on the minus strand). VCF-style: chr17-48728019-C-G. GRCh37 (hg19) VCF-style: chr17-46805381-C-G.
Other names: c.575G>C (NM_006361.5); short protein forms G192A.
Identifiers: ClinVar variation 1423980 (VCV001423980.9), dbSNP rs2143070847, ClinGen allele CA400107149.